The following is an entry in ClinVar:

ClinVar aggregate classification (germline): Pathogenic (3 of 4 stars; one submission).

Conditions:
Glanzmann thrombasthenia. Also called: PLATELET GLYCOPROTEIN IIb-IIIa DEFICIENCY; Thrombasthenia; Glanzmann's thrombasthenia; BLEEDING DISORDER, PLATELET-TYPE, 2; THROMBASTHENIA OF GLANZMANN AND NAEGELI. Identifiers: Orphanet 849, MedGen C0040015, MONDO:0100326.

Submission:

ClinGen Platelet Disorders Variant Curation Expert Panel, ClinGen
Classification: Pathogenic for Glanzmann thrombasthenia. Last evaluated: 2024-03-07. Review status: reviewed by expert panel. Criteria: ClinGen Platelet ACMG Specifications v2-1. Collection method: curation. Allele origin: germline. Inheritance: Autosomal recessive inheritance.
Comment: The c.2674del (p.Ile892SerfsTer18) variant in exon 26 is a frameshift variant predicted to cause a premature stop codon in biologically-relevant-exon 27 and is predicted to lead to nonsense mediated decay in a gene in which loss-of-function is an established disease mechanism (PVS1). At least one patient (Patient 13 in PMID: 19172520) with this variant displayed mucocutaneous bleeding and impaired aggregation with all agonists except ristocetin, which is highly specific for Glanzmann thrombasthenia. Additionally, αIIbβ3 surface expression was reduced to <10% (from GT database), as measured by flow cytometry (PP4_moderate). This variant has been detected in at least 1 proband with Glanzmann thrombasthenia (Patient 13 in PMID: 19172520). This individual was homozygous for the variant (PMID: 19172520; PM3_Supporting). This variant is also absent from gnomAD v2.1.1 (PM2_Supporting). In summary, this variant meets the criteria to be classified as Pathogenic for autosomal recessive Glanzmann Thrombasthenia based on the ACMG/AMP criteria applied, as specified by the ClinGen PD VCEP: PVS1, PP4_Moderate, PM2_Supporting and PM3_Supporting (VCEP specifications version 2).

NM_000419.5(ITGA2B):c.2674del (p.Ile892fs)

Gene: ITGA2B (integrin subunit alpha 2b; minus strand). Cytogenetic location: 17q21.31.
Variant type: Deletion.
Coding change: c.2674del on transcript NM_000419.5 (MANE Select); coding-DNA position 2674, one base deleted (A; older notation c.2674delA).
Protein change: p.Ile892fs; shifts the reading frame from isoleucine 892.
Molecular consequence: frameshift variant.
Genome position (GRCh38, 1-based): chr17:44,375,644, T deleted on the plus strand (A on the coding strand, the reverse complement: ITGA2B is on the minus strand). VCF-style (leftmost placement, unchanged base first): chr17-44375643-AT-A. GRCh37 (hg19) VCF-style: chr17-42453011-AT-A.
Other names: NM_000419.5:c.2674del; short protein forms I892fs.
Identifiers: ClinVar variation 3242392 (VCV003242392.1), dbSNP rs2510074137.